The following is an entry in ClinVar:

ClinVar aggregate classification (germline): Pathogenic/Likely pathogenic. Review status: criteria provided, multiple submitters, no conflicts (2 of 4 stars). 7 submissions from 7 submitters: Pathogenic (5); Likely pathogenic (1). 1 of the submissions does not count toward it. Last evaluated 2025-10-23.

Conditions:
Breast and/or ovarian cancer. Identifiers: MedGen CN221562.
Hereditary cancer-predisposing syndrome. Also called: Hereditary Cancer Syndrome; Neoplastic Syndromes, Hereditary; Tumor predisposition; Hereditary neoplastic syndrome. Identifiers: Orphanet 140162, MedGen C0027672, MeSH D009386, MONDO:0015356.
Familial cancer of breast. Also called: BREAST CANCER, FAMILIAL; Hereditary breast cancer; hereditary breast carcinoma. Identifiers: Orphanet 227535, MedGen C0346153, MONDO:0016419, OMIM 114480. Disease mechanism: loss of function.
Ataxia-telangiectasia syndrome (AT). Also called: Cerebello-oculocutaneous telangiectasia; Immunodeficiency with ataxia telangiectasia; Ataxia-telangiectasia, complementation group E; Ataxia-telangiectasia, complementation group D; AT, COMPLEMENTATION GROUP C; ATAXIA-TELANGIECTASIA, COMPLEMENTATION GROUP A. Identifiers: Orphanet 100, MedGen C0004135, MONDO:0008840, OMIM 208900.

Submissions (7):

Labcorp Genetics (formerly Invitae), Labcorp
Classification: Pathogenic for Ataxia-telangiectasia syndrome. Last evaluated: 2025-10-23. Review status: criteria provided, single submitter. Criteria: Invitae Variant Classification Sherloc (09022015). Collection method: clinical testing. Allele origin: germline.
Comment: This sequence change creates a premature translational stop signal (p.Asn2381Glufs*18) in the ATM gene. It is expected to result in an absent or disrupted protein product. Loss-of-function variants in ATM are known to be pathogenic (PMID: 23807571, 25614872). This variant is not present in population databases (gnomAD no frequency). This premature translational stop signal has been observed in individual(s) with ataxia-telangiectasia (PMID: 26628246). ClinVar contains an entry for this variant (Variation ID: 555855). RNA analysis performed to evaluate the impact of this premature translational stop signal on mRNA splicing indicates it does not significantly alter splicing (internal data). For these reasons, this variant has been classified as Pathogenic.

Baylor Genetics
Classification: Pathogenic for Familial cancer of breast. Last evaluated: 2024-02-01. Review status: criteria provided, single submitter. Criteria: ACMG Guidelines, 2015. Collection method: clinical testing. Allele origin: unknown.

Ambry Genetics
Classification: Pathogenic for Hereditary cancer-predisposing syndrome. Last evaluated: 2021-10-18. Review status: criteria provided, single submitter. Criteria: Ambry Variant Classification Scheme 2023. Collection method: clinical testing. Allele origin: germline.
Comment: The c.7141_7151del11 pathogenic mutation, located in coding exon 48 of the ATM gene, results from a deletion of 11 nucleotides at nucleotide positions 7141 to 7151, causing a translational frameshift with a predicted alternate stop codon (p.N2381Efs*18). This alteration has been reported in a patient affected with ataxia telangiectasia, confirmed in trans with ATM c.8911C>T (p.Gln2971X) (Liu XL et al. Neurosci Lett, 2016 Jan;611:112-5). In addition to the clinical data presented in the literature, this alteration is expected to result in loss of function by premature protein truncation or nonsense-mediated mRNA decay. As such, this alteration is interpreted as a disease-causing mutation.

Color Diagnostics, LLC DBA Color Health
Classification: Pathogenic for Hereditary cancer-predisposing syndrome. Last evaluated: 2020-05-14. Review status: criteria provided, single submitter. Criteria: ACMG Guidelines, 2015. Collection method: clinical testing. Allele origin: germline.
Comment: This variant deletes 11 nucleotides in exon 49 of the ATM gene, creating a frameshift and premature translation stop signal. This variant is expected to result in an absent or non-functional protein product. To our knowledge, this variant has not been reported in individuals affected with hereditary cancer in the literature. This variant has not been identified in the general population by the Genome Aggregation Database (gnomAD). Loss of ATM function is a known mechanism of disease. Based on the available evidence, this variant is classified as Pathogenic.

CHEO Genetics Diagnostic Laboratory, Children's Hospital of Eastern Ontario
Classification: Likely pathogenic for Breast and/or ovarian cancer. Last evaluated: 2020-03-09. Review status: criteria provided, single submitter. Criteria: ACMG Guidelines, 2015. Collection method: clinical testing. Allele origin: germline.

Juno Genomics, Hangzhou Juno Genomics, Inc
Classification: Pathogenic for Familial cancer of breast; Ataxia-telangiectasia syndrome. Review status: criteria provided, single submitter. Criteria: ACMG Guidelines, 2015. Collection method: clinical testing. Allele origin: germline.
Comment: Absent from controls (or at extremely low frequency if recessive) in Genome Aggregation Database.;Null variant in a gene where loss of function (LOF) is a known mechanism of disease.;For recessive disorders, detected in trans with a pathogenic variant.

Counsyl
Classification: Likely pathogenic for Ataxia-telangiectasia syndrome. Last evaluated: 2017-12-29. Review status: no assertion criteria provided. Collection method: clinical testing. Allele origin: unknown. Not counted in ClinVar's aggregate classification.

Literature cited by the submitters: PubMed 23807571 (cited by Labcorp Genetics (formerly Invitae), Labcorp); PubMed 25614872 (cited by Labcorp Genetics (formerly Invitae), Labcorp); PubMed 26628246 (cited by 3 submitters).

NM_000051.4(ATM):c.7141_7151del (p.Asn2381fs)

Genes: ATM (ATM serine/threonine kinase; plus strand), C11orf65 (chromosome 11 open reading frame 65; minus strand). Cytogenetic location: 11q22.3.
Variant type: Deletion.
Coding change: c.7141_7151del on transcript NM_000051.4 (MANE Select); coding-DNA positions 7141 to 7151, 11 bases deleted (AATGGAAAAAT).
Protein change: p.Asn2381fs; shifts the reading frame from asparagine 2381.
Molecular consequence: frameshift variant. On other transcripts: intron variant (2).
Genome position (GRCh38, 1-based): chr11:108,329,072-108,329,082, AATGGAAAAAT deleted. VCF-style (leftmost placement, unchanged base first): chr11-108329071-AAATGGAAAAAT-A. GRCh37 (hg19) VCF-style: chr11-108199798-AAATGGAAAAAT-A.
Other names: c.7141_7151del, p.Asn2381fs (NM_001351834.2); c.641-20011_641-20001del (NM_001330368.2); c.*38+6138_*38+6148del (NM_001351110.2); c.7141_7151del11 (NM_000051.3); c.7141_7151delAATGGAAAAAT, p.Asn2381Glufs (NM_000051.3); short protein forms N2381fs.
Identifiers: ClinVar variation 555855 (VCV000555855.21), dbSNP rs1555122030, ClinGen allele CA658821316.